The following is an entry in ClinVar:

NM_000138.5(FBN1):c.7666T>G (p.Phe2556Val)

Gene: FBN1 (fibrillin 1; minus strand). Cytogenetic location: 15q21.1.
Variant type: single nucleotide variant.
Coding change: c.7666T>G on transcript NM_000138.5 (MANE Select); coding-DNA position 7666, T replaced by G.
Protein change: p.Phe2556Val; replaces phenylalanine 2556 with valine.
Molecular consequence: missense variant.
Genome position (GRCh38, 1-based): chr15:48,421,591, A>C on the plus strand (T>G on the coding strand, the complement: FBN1 is on the minus strand). VCF-style: chr15-48421591-A-C. GRCh37 (hg19) VCF-style: chr15-48713788-A-C.
Other names: short protein forms F2556V.
Identifiers: ClinVar variation 36116 (VCV000036116.22), dbSNP rs193922234, ClinGen allele CA017323.

ClinVar aggregate classification (germline): Conflicting classifications of pathogenicity. Review status: criteria provided, conflicting classifications (1 of 4 stars). 5 submissions from 5 submitters: Pathogenic (1); Likely pathogenic (1); Uncertain significance (3). Last evaluated 2025-09-29.

Conditions:
Familial thoracic aortic aneurysm and aortic dissection (TAAD). Also called: Thoracic aortic aneurysms and dissections. Identifiers: Orphanet 91387, MedGen C4707243, MONDO:0019625.
Marfan syndrome (MFS). Also called: FBN1-Related Marfan Syndrome; Marfan syndrome type 1; Marfan's syndrome; Marfan syndrome, classic; MARFAN SYNDROME, TYPE I. Identifiers: Orphanet 284963, Orphanet 558, MedGen C0024796, MONDO:0007947, OMIM 154700.
FBN1-related disorder. Also called: FBN1-related disorders.

Submissions (5):

Ambry Genetics
Classification: Likely pathogenic for Familial thoracic aortic aneurysm and aortic dissection. Last evaluated: 2025-09-29. Review status: criteria provided, single submitter. Criteria: Ambry Variant Classification Scheme 2023. Collection method: clinical testing. Allele origin: germline.
Comment: The p.F2556V variant (also known as c.7666T>G), located in coding exon 61 of the FBN1 gene, results from a T to G substitution at nucleotide position 7666. The phenylalanine at codon 2556 is replaced by valine, an amino acid with highly similar properties. This variant was reported in individual(s) with features consistent with Marfan syndrome (Ambry internal data; external communication). This amino acid position is highly conserved in available vertebrate species. In addition, this alteration is predicted to be deleterious by in silico analysis. Based on the majority of available evidence to date, this variant is likely to be pathogenic.

GeneDx
Classification: Uncertain significance. Last evaluated: 2025-04-04. Review status: criteria provided, single submitter. Criteria: GeneDx Variant Classification Process June 2021. Collection method: clinical testing. Allele origin: germline. Affected: yes.
Comment: Not observed at significant frequency in large population cohorts (gnomAD); In silico analysis supports that this missense variant has a deleterious effect on protein structure/function; Does not affect a cysteine or calcium-binding residue within an EGF-like domain or a TGF-binding protein domain of the FBN1 gene; cysteine substitutions in the EGF-like domains represent the majority of pathogenic missense changes associated with FBN1-related disorders (PMID: 12938084); Has not been previously published as pathogenic or benign in association with an FBN1-related disorder to our knowledge; This variant is associated with the following publications: (PMID: 12938084, 27906200)

Labcorp Genetics (formerly Invitae), Labcorp
Classification: Pathogenic for Marfan syndrome; Familial thoracic aortic aneurysm and aortic dissection. Last evaluated: 2024-01-15. Review status: criteria provided, single submitter. Criteria: Invitae Variant Classification Sherloc (09022015). Collection method: clinical testing. Allele origin: germline.
Comment: This sequence change replaces phenylalanine, which is neutral and non-polar, with valine, which is neutral and non-polar, at codon 2556 of the FBN1 protein (p.Phe2556Val). This variant is not present in population databases (gnomAD no frequency). This missense change has been observed in individuals with clinical features of FBN1-related conditions (PMID: 27906200; Invitae). ClinVar contains an entry for this variant (Variation ID: 36116). Advanced modeling of protein sequence and biophysical properties (such as structural, functional, and spatial information, amino acid conservation, physicochemical variation, residue mobility, and thermodynamic stability) performed at Invitae indicates that this missense variant is expected to disrupt FBN1 protein function with a positive predictive value of 95%. For these reasons, this variant has been classified as Pathogenic.

PreventionGenetics, part of Exact Sciences
Classification: Uncertain significance for FBN1-related condition. Last evaluated: 2022-10-24. Review status: criteria provided, single submitter. Criteria: ACMG Guidelines, 2015. Collection method: clinical testing. Allele origin: germline.
Comment: The FBN1 c.7666T>G variant is predicted to result in the amino acid substitution p.Phe2556Val. This variant was documented in a study evaluating Marfan genotype–phenotype correlations in FBN1-associated databases; however, no additional information was provided to help assess the pathogenicity of this variant (Supplementary table, Groth et al. 2017. PubMed ID: 27906200). This variant has not been reported in a large population database, indicating this variant is rare. At this time, the clinical significance of this variant is uncertain due to the absence of conclusive functional and genetic evidence.

Women's Health and Genetics/Laboratory Corporation of America, LabCorp
Classification: Uncertain significance. Last evaluated: 2019-02-07. Review status: criteria provided, single submitter. Criteria: LabCorp Variant Classification Summary - May 2015. Collection method: clinical testing. Allele origin: germline.
Comment: Variant summary: The variant, FBN1 c.7666T>G (p.Phe2556Val) results in a non-conservative amino acid change located in the EGF-like domain, Complement Clr-like EGF domain and EGF-like calcium-binding domain of the encoded protein sequence. This missense change does not involve a Cysteine residue. As Cysteine residues are involved in disulfide bonding, introduction or substitution of these residues within the calcium-binding EGF-like domains represent the majority of pathogenic missense changes occuring in Marfan syndrome (Collod-Beroud_2003). Five of five in-silico tools predict a damaging effect of the variant on protein function. The variant was absent in 244998 control chromosomes (gnomAD). The available data on variant occurrences in the general population are insufficient to allow any conclusion about variant significance. To our knowledge, no occurrence of c.7666T>G in individuals affected with Marfan syndrome and no experimental evidence demonstrating its impact on protein function have been reported. Two clinical diagnostic laboratories have submitted clinical-significance assessments for this variant to ClinVar after 2014 without evidence for independent evaluation and classified the variant as uncertain significance. Based on the evidence outlined above, the variant was classified as uncertain significance.

Literature cited by the submitters: PubMed 27906200 (cited by Ambry Genetics and Labcorp Genetics (formerly Invitae), Labcorp); PubMed 12938084 (cited by Women's Health and Genetics/Laboratory Corporation of America, LabCorp).